The following is an entry in ClinVar:

NM_015338.6(ASXL1):c.1976G>A (p.Gly659Asp)

Gene: ASXL1 (ASXL transcriptional regulator 1; plus strand). Cytogenetic location: 20q11.21.
Variant type: single nucleotide variant.
Coding change: c.1976G>A on transcript NM_015338.6 (MANE Select); coding-DNA position 1976, G replaced by A.
Protein change: p.Gly659Asp; replaces glycine 659 with aspartic acid.
Molecular consequence: missense variant.
Genome position (GRCh38, 1-based): chr20:32,434,688, G>A. VCF-style: chr20-32434688-G-A. GRCh37 (hg19) VCF-style: chr20-31022491-G-A.
Other names: c.1793G>A, p.Gly598Asp (NM_001363734.1); short protein forms G598D, G659D.
Identifiers: ClinVar variation 2974276 (VCV002974276.3), dbSNP rs2011683620, ClinGen allele CA408558296.

ClinVar aggregate classification (germline): Uncertain significance (1 of 4 stars; one submission).

Allele frequency attached by ClinVar (database versions not stated): gnomAD exomes below 0.00001.
gnomAD v4.1: 1 of 1,605,274 alleles (0.000062%); highest among the groups gnomAD compares: Non-Finnish European, 0.000085%; no homozygotes.

Submission:

Labcorp Genetics (formerly Invitae), Labcorp
Classification: Uncertain significance. Last evaluated: 2023-12-16. Review status: criteria provided, single submitter. Criteria: Invitae Variant Classification Sherloc (09022015). Collection method: clinical testing. Allele origin: germline.
Comment: This sequence change replaces glycine, which is neutral and non-polar, with aspartic acid, which is acidic and polar, at codon 659 of the ASXL1 protein (p.Gly659Asp). This variant is not present in population databases (gnomAD no frequency). This variant has not been reported in the literature in individuals affected with ASXL1-related conditions. An algorithm developed to predict the effect of missense changes on protein structure and function (PolyPhen-2) suggests that this variant is likely to be disruptive. In summary, the available evidence is currently insufficient to determine the role of this variant in disease. Therefore, it has been classified as a Variant of Uncertain Significance.